The following is an entry in ClinVar:

ClinVar aggregate classification (germline): Uncertain significance. Review status: criteria provided, multiple submitters, no conflicts (2 of 4 stars). 2 submissions from 2 submitters: Uncertain significance (2). Last evaluated 2025-01-24.

Conditions:
Inborn genetic diseases. Identifiers: MedGen C0950123, MeSH D030342.

Allele frequency attached by ClinVar (database versions not stated): ExAC 0.00001; gnomAD 0.00001.
gnomAD v4.1: 17 of 1,614,096 alleles (0.0011%); highest among the groups gnomAD compares: Non-Finnish European, 0.0014%; no homozygotes.

Submissions (2):

Ambry Genetics
Classification: Uncertain significance for Inborn genetic diseases. Last evaluated: 2025-01-24. Review status: criteria provided, single submitter. Criteria: Ambry Variant Classification Scheme 2023. Collection method: clinical testing. Allele origin: germline.

Labcorp Genetics (formerly Invitae), Labcorp
Classification: Uncertain significance. Last evaluated: 2022-08-09. Review status: criteria provided, single submitter. Criteria: Invitae Variant Classification Sherloc (09022015). Collection method: clinical testing. Allele origin: germline.
Comment: This variant is present in population databases (rs782423035, gnomAD 0.0009%). This sequence change replaces alanine, which is neutral and non-polar, with serine, which is neutral and polar, at codon 183 of the CAPN5 protein (p.Ala183Ser). This variant has not been reported in the literature in individuals affected with CAPN5-related conditions. In summary, the available evidence is currently insufficient to determine the role of this variant in disease. Therefore, it has been classified as a Variant of Uncertain Significance. Algorithms developed to predict the effect of missense changes on protein structure and function are either unavailable or do not agree on the potential impact of this missense change (SIFT: "Deleterious"; PolyPhen-2: "Probably Damaging"; Align-GVGD: "Class C0").

NM_004055.5(CAPN5):c.547G>T (p.Ala183Ser)

Gene: CAPN5 (calpain 5; plus strand). Cytogenetic location: 11q13.5.
Variant type: single nucleotide variant.
Coding change: c.547G>T on transcript NM_004055.5 (MANE Select); coding-DNA position 547, G replaced by T.
Protein change: p.Ala183Ser; replaces alanine 183 with serine.
Molecular consequence: missense variant.
Genome position (GRCh38, 1-based): chr11:77,114,282, G>T. VCF-style: chr11-77114282-G-T. GRCh37 (hg19) VCF-style: chr11-76825328-G-T.
Other names: c.547G>T (NM_004055.4); short protein forms A183S.
Identifiers: ClinVar variation 1912654 (VCV001912654.6), dbSNP rs782423035, ClinGen allele CA6196472.
Genomic context (GRCh38, chr11:77,114,282, plus strand): 5'-CTTTCCACATTGCTTCCCAGACTGGCAGGCTGTTACCAGGCCCTGGATGGAGGCAACACA[G>T]CAGACGCACTGGTGGACTTCACGGGTGGTGTTTCTGAGCCCATCGACCTGACCGAGGGTG-3'
Protein context (NP_004046.2, residues 173-193): CYQALDGGNT[Ala183Ser]DALVDFTGGV